The following is an entry in ClinVar:

NM_006361.6(HOXB13):c.49G>A (p.Gly17Ser)

Gene: HOXB13 (homeobox B13; minus strand). Cytogenetic location: 17q21.32.
Variant type: single nucleotide variant.
Coding change: c.49G>A on transcript NM_006361.6 (MANE Select); coding-DNA position 49, G replaced by A.
Protein change: p.Gly17Ser; replaces glycine 17 with serine.
Molecular consequence: missense variant.
Genome position (GRCh38, 1-based): chr17:48,728,545, C>T on the plus strand (G>A on the coding strand, the complement: HOXB13 is on the minus strand). VCF-style: chr17-48728545-C-T. GRCh37 (hg19) VCF-style: chr17-46805907-C-T.
Other names: short protein forms G17S.
Identifiers: ClinVar variation 1403086 (VCV001403086.9), dbSNP rs2143075600, ClinGen allele CA400109760.

ClinVar aggregate classification (germline): Uncertain significance. Review status: criteria provided, multiple submitters, no conflicts (2 of 4 stars). 2 submissions from 2 submitters: Uncertain significance (2). Last evaluated 2025-12-10.

Conditions:
Hereditary cancer-predisposing syndrome. Also called: Hereditary neoplastic syndrome; Hereditary Cancer Syndrome; Neoplastic Syndromes, Hereditary; Tumor predisposition. Identifiers: Orphanet 140162, MedGen C0027672, MeSH D009386, MONDO:0015356.

Submissions (2):

Ambry Genetics
Classification: Uncertain significance for Hereditary cancer-predisposing syndrome. Last evaluated: 2025-12-10. Review status: criteria provided, single submitter. Criteria: Ambry Variant Classification Scheme 2023. Collection method: clinical testing. Allele origin: germline.
Comment: The p.G17S variant (also known as c.49G>A), located in coding exon 1 of the HOXB13 gene, results from a G to A substitution at nucleotide position 49. The glycine at codon 17 is replaced by serine, an amino acid with similar properties. This amino acid position is conserved. In addition, the in silico prediction for this alteration is inconclusive. Since supporting evidence is limited at this time, the clinical significance of this alteration remains unclear.

Labcorp Genetics (formerly Invitae), Labcorp
Classification: Uncertain significance. Last evaluated: 2025-06-11. Review status: criteria provided, single submitter. Criteria: Invitae Variant Classification Sherloc (09022015). Collection method: clinical testing. Allele origin: germline.
Comment: This sequence change replaces glycine, which is neutral and non-polar, with serine, which is neutral and polar, at codon 17 of the HOXB13 protein (p.Gly17Ser). This variant is not present in population databases (gnomAD no frequency). This variant has not been reported in the literature in individuals affected with HOXB13-related conditions. ClinVar contains an entry for this variant (Variation ID: 1403086). An algorithm developed to predict the effect of missense changes on protein structure and function (PolyPhen-2) suggests that this variant is likely to be disruptive. In summary, the available evidence is currently insufficient to determine the role of this variant in disease. Therefore, it has been classified as a Variant of Uncertain Significance.